The following is an entry in ClinVar:

ClinVar aggregate classification (germline): Uncertain significance. Review status: criteria provided, multiple submitters, no conflicts (2 of 4 stars). 2 submissions from 2 submitters: Uncertain significance (2). Last evaluated 2025-08-07.

Conditions:
Colorectal cancer, hereditary nonpolyposis, type 7. Identifiers: Orphanet 144, MedGen C1858380, MONDO:0013725, OMIM 614385.

Allele frequency attached by ClinVar (database versions not stated): gnomAD exomes 0.00001; ExAC 0.00002; gnomAD 0.00007; ESP Exome Variant Server 0.00008; TOPMed 0.00008.
gnomAD v4.1: 19 of 1,613,930 alleles (0.0012%); highest among the groups gnomAD compares: African/African-American, 0.024%; no homozygotes.

Submissions (2):

Labcorp Genetics (formerly Invitae), Labcorp
Classification: Uncertain significance for Colorectal cancer, hereditary nonpolyposis, type 7. Last evaluated: 2025-08-07. Review status: criteria provided, single submitter. Criteria: Invitae Variant Classification Sherloc (09022015). Collection method: clinical testing. Allele origin: germline.
Comment: This sequence change replaces aspartic acid, which is acidic and polar, with tyrosine, which is neutral and polar, at codon 192 of the MLH3 protein (p.Asp192Tyr). This variant is present in population databases (rs367923420, gnomAD 0.03%). This variant has not been reported in the literature in individuals affected with MLH3-related conditions. ClinVar contains an entry for this variant (Variation ID: 1749432). An algorithm developed to predict the effect of missense changes on protein structure and function (PolyPhen-2) suggests that this variant is likely to be disruptive. In summary, the available evidence is currently insufficient to determine the role of this variant in disease. Therefore, it has been classified as a Variant of Uncertain Significance.

Ambry Genetics
Classification: Uncertain significance. Last evaluated: 2025-04-24. Review status: criteria provided, single submitter. Criteria: Ambry Variant Classification Scheme 2023. Collection method: clinical testing. Allele origin: germline.

NM_001040108.2(MLH3):c.574G>T (p.Asp192Tyr)

Gene: MLH3 (mutL homolog 3; minus strand). Cytogenetic location: 14q24.3.
Variant type: single nucleotide variant.
Coding change: c.574G>T on transcript NM_001040108.2 (MANE Select); coding-DNA position 574, G replaced by T.
Protein change: p.Asp192Tyr; replaces aspartic acid 192 with tyrosine.
Molecular consequence: missense variant.
Genome position (GRCh38, 1-based): chr14:75,049,082, C>A on the plus strand (G>T on the coding strand, the complement: MLH3 is on the minus strand). VCF-style: chr14-75049082-C-A. GRCh37 (hg19) VCF-style: chr14-75515785-C-A.
Other names: c.574G>T, p.Asp192Tyr (NM_014381.3); short protein forms D192Y.
Identifiers: ClinVar variation 1749432 (VCV001749432.10), dbSNP rs367923420, ClinGen allele CA7276008.